The following is an entry in ClinVar:

NM_177433.3(MAGED2):c.1687_1692del (p.559AS[2])

Gene: MAGED2 (MAGE family member D2; plus strand). Cytogenetic location: Xp11.21.
Variant type: Deletion.
Coding change: c.1687_1692del on transcript NM_177433.3 (MANE Select); coding-DNA positions 1687 to 1692, 6 bases deleted (GCCAGC; older notation c.1687_1692delGCCAGC).
Protein change: p.559AS[2].
Genome position (GRCh38, 1-based): chrX:54,815,548-54,815,553, GCCAGC deleted. VCF-style (leftmost placement, unchanged base first): chrX-54815547-TGCCAGC-T. GRCh37 (hg19) VCF-style: chrX-54841980-TGCCAGC-T.
Other names: c.1687_1692del, p.559AS[2] (NM_014599.6, NM_201222.3).
Identifiers: ClinVar variation 4771011 (VCV004771011.1).

ClinVar aggregate classification (germline): Uncertain significance (1 of 4 stars; one submission).

Submission:

Labcorp Genetics (formerly Invitae), Labcorp
Classification: Uncertain significance. Last evaluated: 2025-09-11. Review status: criteria provided, single submitter. Criteria: Invitae Variant Classification Sherloc (09022015). Collection method: clinical testing. Allele origin: germline.
Comment: This variant, c.1687_1692del, results in the deletion of 2 amino acid(s) of the MAGED2 protein (p.Ala563_Ser564del), but otherwise preserves the integrity of the reading frame. This variant is not present in population databases (gnomAD no frequency). This variant has not been reported in the literature in individuals affected with MAGED2-related conditions. Experimental studies and prediction algorithms are not available or were not evaluated, and the functional significance of this variant is currently unknown. In summary, the available evidence is currently insufficient to determine the role of this variant in disease. Therefore, it has been classified as a Variant of Uncertain Significance.